The following is an entry in ClinVar:

ClinVar aggregate classification (germline): Uncertain significance. Review status: criteria provided, multiple submitters, no conflicts (2 of 4 stars). 2 submissions from 2 submitters: Uncertain significance (2). Last evaluated 2026-02-03.

gnomAD v4.1: 143 of 1,604,088 alleles (0.0089%); highest among the groups gnomAD compares: Non-Finnish European, 0.012%; no homozygotes.

Submissions (2):

Women's Health and Genetics/Laboratory Corporation of America, LabCorp
Classification: Uncertain significance. Last evaluated: 2026-02-03. Review status: criteria provided, single submitter. Criteria: LabCorp Variant Classification Summary - May 2015. Collection method: clinical testing. Allele origin: germline.
Comment: Variant summary: PTCD3 c.1340T>A (p.Phe447Tyr) results in a conservative amino acid change in the encoded protein sequence. Algorithms developed to predict the effect of missense changes on protein structure and function are either unavailable or do not agree on the potential impact of this missense change. The variant allele was found at a frequency of 3.6e-05 in 250772 control chromosomes. The available data on variant occurrences in the general population are insufficient to allow any conclusion about variant significance. To our knowledge, no occurrence of c.1340T>A in individuals affected with PTCD3-related conditions and no experimental evidence demonstrating its impact on protein function have been reported. No submitters have cited clinical-significance assessments for this variant to ClinVar. Based on the evidence outlined above, the variant was classified as uncertain significance.

Blueprint Genetics
Classification: Uncertain significance. Last evaluated: 2024-08-12. Review status: criteria provided, single submitter. Criteria: ACMG Guidelines, 2015. Collection method: clinical testing. Allele origin: germline.

NM_017952.6(PTCD3):c.1340T>A (p.Phe447Tyr)

Gene: PTCD3 (pentatricopeptide repeat domain 3; plus strand). Cytogenetic location: 2p11.2.
Variant type: single nucleotide variant.
Coding change: c.1340T>A on transcript NM_017952.6 (MANE Select); coding-DNA position 1340, T replaced by A.
Protein change: p.Phe447Tyr; replaces phenylalanine 447 with tyrosine.
Molecular consequence: missense variant.
Genome position (GRCh38, 1-based): chr2:86,132,391, T>A. VCF-style: chr2-86132391-T-A. GRCh37 (hg19) VCF-style: chr2-86359514-T-A.
Other names: short protein forms F447Y.
Identifiers: ClinVar variation 4848067 (VCV004848067.2).